The following is an entry in ClinVar:

NM_000925.4(PDHB):c.2T>C (p.Met1Thr)

Gene: PDHB (pyruvate dehydrogenase E1 subunit beta; minus strand). Cytogenetic location: 3p14.3.
Variant type: single nucleotide variant.
Coding change: c.2T>C on transcript NM_000925.4 (MANE Select); coding-DNA position 2, T replaced by C.
Protein change: p.Met1Thr; changes the start codon (methionine 1).
Molecular consequence: missense variant, initiator codon variant. On other transcripts: non-coding transcript variant (1).
Genome position (GRCh38, 1-based): chr3:58,433,808, A>G on the plus strand (T>C on the coding strand, the complement: PDHB is on the minus strand). VCF-style: chr3-58433808-A-G. GRCh37 (hg19) VCF-style: chr3-58419535-A-G.
Other names: c.2T>C, p.Met1Thr (NM_001173468.2, NM_001315536.2); short protein forms M1T.
Identifiers: ClinVar variation 4814480 (VCV004814480.1).

ClinVar aggregate classification (germline): Likely pathogenic (1 of 4 stars; one submission).

Conditions:
Pyruvate dehydrogenase phosphatase deficiency (PDHPD). Also called: LACTIC ACIDEMIA WITH PYRUVATE DEHYDROGENASE PHOSPHATASE DEFICIENCY. Identifiers: Orphanet 79246, MedGen C1837429, MONDO:0012120, OMIM 608782.

Submission:

Natera, Inc.
Classification: Likely pathogenic for Pyruvate dehydrogenase phosphatase deficiency. Last evaluated: 2025-09-09. Review status: criteria provided, single submitter. Criteria: Natera Variant Classification Schema (03/2026). Collection method: clinical testing. Allele origin: germline.
Comment: The c.2T>C variant in PDHB is predicted to result in start loss due to disruption of the initiator methionine. This variant is expected to result in nonsense mediated decay, truncation, or a dysfunctional protein product. This variant is rare in the general population with a frequency below the threshold expected for the associated phenotype(s). Given the available evidence, this variant is classified as Likely Pathogenic.